The following is an entry in ClinVar:

NM_001453.3(FOXC1):c.456G>T (p.Trp152Cys)

Gene: FOXC1 (forkhead box C1; plus strand). Cytogenetic location: 6p25.3.
Variant type: single nucleotide variant.
Coding change: c.456G>T on transcript NM_001453.3 (MANE Select); coding-DNA position 456, G replaced by T.
Protein change: p.Trp152Cys; replaces tryptophan 152 with cysteine.
Molecular consequence: missense variant.
Genome position (GRCh38, 1-based): chr6:1,610,901, G>T. VCF-style: chr6-1610901-G-T. GRCh37 (hg19) VCF-style: chr6-1611136-G-T.
Other names: short protein forms W152C.
Identifiers: ClinVar variation 931490 (VCV000931490.3), dbSNP rs886041355, ClinGen allele CA362558863.
Genomic context (GRCh38, chr6:1,610,901, plus strand): 5'-CAACGAGTGCTTCGTCAAGGTGCCGCGCGACGACAAGAAGCCGGGCAAGGGCAGCTACTG[G>T]ACGCTGGACCCGGACTCCTACAACATGTTCGAGAACGGCAGCTTCCTGCGGCGGCGGCGG-3'
Protein context (NP_001444.2, residues 142-162): DDKKPGKGSY[Trp152Cys]TLDPDSYNMF

ClinVar aggregate classification (germline): Likely pathogenic (1 of 4 stars; one submission).

Conditions:
Axenfeld-Rieger syndrome type 3 (RIEG3). Also called: AXENFELD-RIEGER ANOMALY WITH CARDIAC DEFECTS AND/OR SENSORINEURAL HEARING LOSS. Identifiers: Orphanet 782, MedGen C2678503, MONDO:0011233, OMIM 602482.

Submission:

Centre for Mendelian Genomics, University Medical Centre Ljubljana
Classification: Likely pathogenic for Axenfeld-Rieger syndrome type 3. Last evaluated: 2016-01-01. Review status: criteria provided, single submitter. Criteria: ACMG Guidelines, 2015. Collection method: clinical testing. Allele origin: unknown. Affected: yes.
Comment: This variant was classified as: Likely pathogenic. The following ACMG criteria were applied in classifying this variant: PM1,PM5,PM2,PP2,PP3,PP4.